The following is an entry in ClinVar:

ClinVar aggregate classification (germline): Uncertain significance (1 of 4 stars; one submission).

Conditions:
X-linked Emery-Dreifuss muscular dystrophy. Also called: Muscular dystrophy, tardive Emery-Dreifuss type, with contractures. Identifiers: Orphanet 261, Orphanet 98863, MedGen C0751337, MONDO:0010680.

Allele frequency attached by ClinVar (database versions not stated): gnomAD exomes below 0.00001.

Submission:

Labcorp Genetics (formerly Invitae), Labcorp
Classification: Uncertain significance for X-linked Emery-Dreifuss muscular dystrophy. Last evaluated: 2023-10-04. Review status: criteria provided, single submitter. Criteria: Invitae Variant Classification Sherloc (09022015). Collection method: clinical testing. Allele origin: germline.
Comment: This sequence change replaces glutamine, which is neutral and polar, with arginine, which is basic and polar, at codon 228 of the EMD protein (p.Gln228Arg). This variant is not present in population databases (gnomAD no frequency). This variant has not been reported in the literature in individuals affected with EMD-related conditions. Advanced modeling of protein sequence and biophysical properties (such as structural, functional, and spatial information, amino acid conservation, physicochemical variation, residue mobility, and thermodynamic stability) has been performed at Invitae for this missense variant, however the output from this modeling did not meet the statistical confidence thresholds required to predict the impact of this variant on EMD protein function. In summary, the available evidence is currently insufficient to determine the role of this variant in disease. Therefore, it has been classified as a Variant of Uncertain Significance.

NM_000117.3(EMD):c.683A>G (p.Gln228Arg)

Gene: EMD (emerin; plus strand). Cytogenetic location: Xq28.
Variant type: single nucleotide variant.
Coding change: c.683A>G on transcript NM_000117.3 (MANE Select); coding-DNA position 683, A replaced by G.
Protein change: p.Gln228Arg; replaces glutamine 228 with arginine.
Molecular consequence: missense variant.
Genome position (GRCh38, 1-based): chrX:154,381,115, A>G. VCF-style: chrX-154381115-A-G. GRCh37 (hg19) VCF-style: chrX-153609475-A-G.
Other names: short protein forms Q228R.
Identifiers: ClinVar variation 2763157 (VCV002763157.3), dbSNP rs2522790721, ClinGen allele CA415259235.
Genomic context (GRCh38, chrX:154,381,115, plus strand): 5'-CTGAAAACCGTGCTCCTGGGGCTGGGCTGGGCCAGGATCGCCAGGTCCCGCTCTGGGGCC[A>G]GCTGCTGCTTTTCCTGGTCTTTGTGATCGTCCTCTTCTTCATTTACCACTTCATGCAGGC-3'
Protein context (NP_000108.1, residues 218-238): GQDRQVPLWG[Gln228Arg]LLLFLVFVIV